The following is an entry in ClinVar:

ClinVar aggregate classification (germline): Uncertain significance (1 of 4 stars; one submission).

Submission:

Dasa
Classification: Uncertain significance. Last evaluated: 2026-04-16. Review status: criteria provided, single submitter. Criteria: DASA Assertion Criteria. Collection method: clinical testing. Allele origin: germline.
Comment: NM_144573.4(NEXN):c.1229_1231del (p.Gln410del) is an in-frame deletion predicted to remove glutamine at protein position 410 without shifting the reading frame. This variant is rare in population databases. The currently available literature and clinical evidence are not sufficient to establish a definitive association between this variant and the reported condition. Therefore, this variant is classified as a variant of uncertain significance.

NM_144573.4(NEXN):c.1226AAC[1] (p.Gln410del)

Gene: NEXN (nexilin F-actin binding protein; plus strand). Cytogenetic location: 1p31.1.
Variant type: Microsatellite.
Coding change: c.1226AAC[1] on transcript NM_144573.4 (MANE Select); one copy of the 3-base unit AAC starting at c.1226; the reference has two copies in a row; one copy, 3 bases deleted; also written c.1229_1231del.
Protein change: p.Gln410del; deletes glutamine 410.
Molecular consequence: inframe deletion.
Genome position (GRCh38, 1-based): chr1:77,933,457-77,933,459, AAC deleted; deleting any 3 consecutive bases within chr1:77,933,454-77,933,459 gives the same sequence; the position shown is the placement nearest the transcript's 3' end. VCF-style (leftmost placement, unchanged base first): chr1-77933453-GAAC-G. GRCh37 (hg19) VCF-style: chr1-78399138-GAAC-G.
Other names: c.1034AAC[1], p.Gln346del (NM_001172309.2); c.1229_1231del (NM_144573.4); short protein forms Q346del, Q410del.
Identifiers: ClinVar variation 4884012 (VCV004884012.2).